The following is an entry in ClinVar:

NM_002691.4(POLD1):c.1389G>C (p.Leu463=)

Gene: POLD1 (DNA polymerase delta 1, catalytic subunit; plus strand). Cytogenetic location: 19q13.33.
Variant type: single nucleotide variant.
Coding change: c.1389G>C on transcript NM_002691.4 (MANE Select); coding-DNA position 1389, G replaced by C.
Protein change: p.Leu463=; no amino-acid change (leucine 463 retained).
Molecular consequence: synonymous variant. On other transcripts: non-coding transcript variant (1).
Genome position (GRCh38, 1-based): chr19:50,406,412, G>C. VCF-style: chr19-50406412-G-C. GRCh37 (hg19) VCF-style: chr19-50909669-G-C.
Other names: c.1389G>C, p.Leu463= (NM_001256849.1, NM_001308632.1); c.1389G>C (NM_002691.2).
Identifiers: ClinVar variation 439251 (VCV000439251.13), dbSNP rs1368969207, ClinGen allele CA508304845.
Genomic context (GRCh38, chr19:50,406,412, plus strand): 5'-TCCTTGGAAGGCCACTGCCCAGGCCCGCAGCCCACCAGCCCACCCACCCACCTAGGTGCT[G>C]CTGCGGGAGTACAAGCTCCGCTCCTACACGCTCAATGCCGTGAGCTTCCACTTCCTGGGC-3'
Protein context (NP_002682.2, residues 453-473): GRVQMDMLQV[Leu463=]LREYKLRSYT

ClinVar aggregate classification (germline): Conflicting classifications of pathogenicity. Review status: criteria provided, conflicting classifications (1 of 4 stars). 4 submissions from 4 submitters: Uncertain significance (1); Benign (1); Likely benign (2). Last evaluated 2026-01-10.

Conditions:
POLD1-related polyposis and colorectal cancer syndrome (CRCS10). Also called: Colorectal cancer 10; COLORECTAL CANCER, SUSCEPTIBILITY TO, ON CHROMOSOME 19q; Colorectal cancer, susceptibility to, 10. Identifiers: Orphanet 220460, MedGen C2675481, MONDO:0012953, OMIM 612591.
Hereditary cancer-predisposing syndrome. Also called: Neoplastic Syndromes, Hereditary; Hereditary neoplastic syndrome; Tumor predisposition; Hereditary Cancer Syndrome. Identifiers: Orphanet 140162, MedGen C0027672, MeSH D009386, MONDO:0015356.

Allele frequency attached by ClinVar (database versions not stated): gnomAD exomes below 0.00001; gnomAD 0.00001; TOPMed 0.00001.
gnomAD v4.1: 3 of 1,603,636 alleles (0.00019%); highest among the groups gnomAD compares: Non-Finnish European, 0.00026%; no homozygotes.

Submissions (4):

Labcorp Genetics (formerly Invitae), Labcorp
Classification: Likely benign for POLD1-related polyposis and colorectal cancer syndrome. Last evaluated: 2026-01-10. Review status: criteria provided, single submitter. Criteria: Invitae Variant Classification Sherloc (09022015). Collection method: clinical testing. Allele origin: germline.

Myriad Genetics, Inc.
Classification: Benign for POLD1-related polyposis and colorectal cancer syndrome. Last evaluated: 2025-02-06. Review status: criteria provided, single submitter. Criteria: Myriad Autosomal Dominant, Autosomal Recessive and X-Linked Classification Criteria (2023). Collection method: clinical testing. Allele origin: unknown.
Comment: This variant is considered benign. This variant is a silent/synonymous amino acid change and it is not expected to impact splicing.

Ambry Genetics
Classification: Likely benign for Hereditary cancer-predisposing syndrome. Last evaluated: 2023-02-02. Review status: criteria provided, single submitter. Criteria: Ambry Variant Classification Scheme 2023. Collection method: clinical testing. Allele origin: germline.

Quest Diagnostics Nichols Institute San Juan Capistrano
Classification: Uncertain significance. Last evaluated: 2017-06-14. Review status: criteria provided, single submitter. Criteria: Quest Diagnostics criteria. Collection method: clinical testing. Allele origin: germline.